The following is an entry in ClinVar:

NM_012471.3(TRPC5):c.1584A>T (p.Leu528=)

Gene: TRPC5 (transient receptor potential cation channel subfamily C member 5; minus strand). Cytogenetic location: Xq23.
Variant type: single nucleotide variant.
Coding change: c.1584A>T on transcript NM_012471.3 (MANE Select); coding-DNA position 1584, A replaced by T.
Protein change: p.Leu528=; no amino-acid change (leucine 528 retained).
Molecular consequence: synonymous variant.
Genome position (GRCh38, 1-based): chrX:111,847,230, T>A on the plus strand (A>T on the coding strand, the complement: TRPC5 is on the minus strand). VCF-style: chrX-111847230-T-A. GRCh37 (hg19) VCF-style: chrX-111090458-T-A.
Identifiers: ClinVar variation 4989572 (VCV004989572.1).

ClinVar aggregate classification (germline): Likely benign (1 of 4 stars; one submission).

Conditions:
TRPC5-related disorder. Also called: TRPC5-related condition.

Submission:

PreventionGenetics, part of Exact Sciences
Classification: Likely benign for TRPC5-related condition. Last evaluated: 2026-04-30. Review status: criteria provided, single submitter. Criteria: ACMG Guidelines, 2015. Collection method: clinical testing. Allele origin: germline.
Comment: This variant is classified as likely benign based on ACMG/AMP sequence variant interpretation guidelines (Richards et al. 2015 PMID: 25741868, with internal and published modifications).